The following is an entry in ClinVar:

NM_015046.7(SETX):c.2672T>C (p.Val891Ala)

Gene: SETX (senataxin; minus strand). Cytogenetic location: 9q34.13.
Variant type: single nucleotide variant.
Coding change: c.2672T>C on transcript NM_015046.7 (MANE Select); coding-DNA position 2672, T replaced by C.
Protein change: p.Val891Ala; replaces valine 891 with alanine.
Molecular consequence: missense variant.
Genome position (GRCh38, 1-based): chr9:132,328,926, A>G on the plus strand (T>C on the coding strand, the complement: SETX is on the minus strand). VCF-style: chr9-132328926-A-G. GRCh37 (hg19) VCF-style: chr9-135204313-A-G.
Other names: c.2672T>C, p.Val891Ala (NM_001351527.2, NM_001351528.2); short protein forms V891A.
Identifiers: ClinVar variation 365364 (VCV000365364.67), dbSNP rs148181729, ClinGen allele CA5297553.

ClinVar aggregate classification (germline): Conflicting classifications of pathogenicity. Review status: criteria provided, conflicting classifications (1 of 4 stars). 10 submissions from 9 submitters: Uncertain significance (1); Benign (3); Likely benign (4). 2 of the submissions do not count toward it. Last evaluated 2026-01-25.

Conditions:
Spinocerebellar ataxia, autosomal recessive, with axonal neuropathy 2 (SCAN2). Also called: Ataxia-ocular apraxia-2; ATAXIA-OCULOMOTOR APRAXIA 2; Ataxia with Oculomotor Apraxia; Ataxia with Oculomotor Apraxia Type 2. Identifiers: Orphanet 64753, MedGen C1853761, MONDO:0018996, OMIM 606002.
SETX-related disorder. Also called: SETX-related condition; SETX-related disorders. Identifiers: MedGen CN239403.
Neuronopathy, distal hereditary motor, autosomal dominant. Also called: Autosomal dominant distal hereditary motor neuropathy. Identifiers: Orphanet 140465, MedGen C5548212, MONDO:0015362.
Hereditary spastic paraplegia. Also called: Familial spastic paraparesis. Identifiers: Orphanet 685, MedGen C0037773, MONDO:0019064. Disease mechanism: loss of function.
Amyotrophic lateral sclerosis type 4 (ALS4). Also called: AMYOTROPHIC LATERAL SCLEROSIS 4, JUVENILE; NEURONOPATHY, DISTAL HEREDITARY MOTOR, WITH PYRAMIDAL FEATURES. Identifiers: Orphanet 357043, MedGen C1865409, MONDO:0011223, OMIM 602433.

Allele frequency attached by ClinVar (database versions not stated): gnomAD exomes 0.00061 and 0.00113; ExAC 0.00150; gnomAD 0.00434 and 0.00470; TOPMed 0.00488; 1000 Genomes Project 0.00519; 1000 Genomes Project 30x 0.00562; ESP Exome Variant Server 0.00569.
gnomAD v4.1: 1,579 of 1,613,006 alleles (0.098%); highest among the groups gnomAD compares: African/African-American, 1.6%; 8 homozygotes.

Submissions (10):

Labcorp Genetics (formerly Invitae), Labcorp
Classification: Benign for Amyotrophic lateral sclerosis type 4; Spinocerebellar ataxia, autosomal recessive, with axonal neuropathy 2. Last evaluated: 2026-01-25. Review status: criteria provided, single submitter. Criteria: Invitae Variant Classification Sherloc (09022015). Collection method: clinical testing. Allele origin: germline.

Blueprint Genetics
Classification: Likely benign. Last evaluated: 2024-11-26. Review status: criteria provided, single submitter. Criteria: ACMG Guidelines, 2015. Collection method: clinical testing. Allele origin: germline.

GeneDx
Classification: Benign. Last evaluated: 2021-09-24. Review status: criteria provided, single submitter. Criteria: GeneDx Variant Classification Process June 2021. Collection method: clinical testing. Allele origin: germline. Affected: yes.
Comment: This variant is associated with the following publications: (PMID: 22088787, 19696032, 28054357, 23129421, Dutta2019[BookChapter], 24970098, 30010942)

ARUP Laboratories, Molecular Genetics and Genomics, ARUP Laboratories
Classification: Uncertain significance. Last evaluated: 2021-09-01. Review status: criteria provided, single submitter. Criteria: ARUP Molecular Germline Variant Investigation Process 2021. Collection method: clinical testing. Allele origin: germline.
Comment: The p.Val891Ala variant (rs148181729) has been previously reported in a family with a dominantly inherited, atypical course of juvenile amyotrophic lateral sclerosis (ALS4; Rudnik-Schoneborn 2012), with affected individuals experiencing distal limb weakness and abnormal tendon reflexes. In this family, a previously characterized, dominant-acting variant (p.Leu389Ser) was discovered in all three affected individuals, likely explaining the majority of the phenotype. The p.Val891Ala variant is listed in the NHLBI GO Exome Sequencing Project (ESP) with an allele frequency in African Americans of 1.7% (identified in 73 out of 4,406 chromosomes), and in the Exome Aggregation Consortium (ExAC) browser with a frequency in African populations of 1.5% (identified in 1 out of 120,000 chromosomes). The valine at codon 891 is weakly conserved considering 11 species (Alamut software v2.7.1), and computational analyses suggest this does not have a significant effect on SETX protein structure/function (SIFT: tolerated, PolyPhen2: benign, and Mutation Taster: polymorphism). However, based on the available information, the clinical significance of the p.Val891Ala variant cannot be determined with certainty.

Genome Diagnostics Laboratory, The Hospital for Sick Children
Classification: Likely benign for Hereditary spastic paraplegia. Last evaluated: 2021-04-12. Review status: criteria provided, single submitter. Criteria: ACMG Guidelines, 2015. Collection method: clinical testing. Allele origin: germline. Affected: yes.

Athena Diagnostics
Classification: Benign. Last evaluated: 2019-06-13. Review status: criteria provided, single submitter. Criteria: Athena Diagnostics Criteria. Collection method: clinical testing. Allele origin: germline.

Illumina Laboratory Services, Illumina
Classification: Likely benign for Amyotrophic lateral sclerosis type 4. Last evaluated: 2017-04-27. Review status: criteria provided, single submitter. Criteria: ICSL Variant Classification Criteria 13 December 2019. Collection method: clinical testing. Allele origin: germline.
Comment: This variant was observed as part of a predisposition screen in an ostensibly healthy population. A literature search was performed for the gene, cDNA change, and amino acid change (where applicable). Publications were found based on this search. The evidence from the literature, in combination with allele frequency data from public databases where available, was sufficient to determine this variant is unlikely to cause disease. Therefore, this variant is classified as likely benign.

Illumina Laboratory Services, Illumina
Classification: Likely benign for Spinocerebellar ataxia, autosomal recessive, with axonal neuropathy 2. Last evaluated: 2017-04-27. Review status: criteria provided, single submitter. Criteria: ICSL Variant Classification Criteria 13 December 2019. Collection method: clinical testing. Allele origin: germline.
Comment: This variant was observed as part of a predisposition screen in an ostensibly healthy population. A literature search was performed for the gene, cDNA change, and amino acid change (where applicable). No publications were found based on this search. Allele frequency data from public databases allowed determination this variant is unlikely to cause disease. Therefore, this variant is classified as likely benign.

PreventionGenetics, part of Exact Sciences
Classification: Benign for SETX-related condition. Last evaluated: 2024-06-17. Review status: no assertion criteria provided. Collection method: clinical testing. Allele origin: germline. Not counted in ClinVar's aggregate classification.
Comment: This variant is classified as benign based on ACMG/AMP sequence variant interpretation guidelines (Richards et al. 2015 PMID: 25741868, with internal and published modifications).

Inherited Neuropathy Consortium
Classification: Uncertain significance for Autosomal dominant distal hereditary motor neuropathy. Review status: no assertion criteria provided. Collection method: literature only. Allele origin: germline. Affected: yes. Not counted in ClinVar's aggregate classification.

Literature cited by the submitters: PubMed 19696032 (cited by Athena Diagnostics); PubMed 22088787 (cited by 3 submitters).